The following is an entry in ClinVar:

NM_031935.3(HMCN1):c.4738A>G (p.Thr1580Ala)

Gene: HMCN1 (hemicentin 1; plus strand). Cytogenetic location: 1q31.1.
Variant type: single nucleotide variant.
Coding change: c.4738A>G on transcript NM_031935.3 (MANE Select); coding-DNA position 4738, A replaced by G.
Protein change: p.Thr1580Ala; replaces threonine 1580 with alanine.
Molecular consequence: missense variant.
Genome position (GRCh38, 1-based): chr1:186,015,266, A>G. VCF-style: chr1-186015266-A-G. GRCh37 (hg19) VCF-style: chr1-185984398-A-G.
Other names: short protein forms T1580A.
Identifiers: ClinVar variation 3001991 (VCV003001991.3), dbSNP rs764868698, ClinGen allele CA1292090.
Genomic context (GRCh38, chr1:186,015,266, plus strand): 5'-TTGATCAACAGCCTTATTAAACTGGAATGTGAAACACGGGGACTTCCAATGCCTGCCATT[A>G]CTTGGTATAAGGACGGGCAGCCAATCATGTCCAGCTCACAAGCACTTTATATTGATAAAG-3'
Protein context (NP_114141.2, residues 1570-1590): ETRGLPMPAI[Thr1580Ala]WYKDGQPIMS

ClinVar aggregate classification (germline): Uncertain significance (1 of 4 stars; one submission).

Allele frequency attached by ClinVar (database versions not stated): TOPMed below 0.00001; gnomAD exomes 0.00001; ExAC 0.00002; gnomAD 0.00003.
gnomAD v4.1: 13 of 1,613,678 alleles (0.00081%); highest among the groups gnomAD compares: African/African-American, 0.0067%; no homozygotes.

Submission:

Labcorp Genetics (formerly Invitae), Labcorp
Classification: Uncertain significance. Last evaluated: 2024-03-20. Review status: criteria provided, single submitter. Criteria: Invitae Variant Classification Sherloc (09022015). Collection method: clinical testing. Allele origin: germline.
Comment: This sequence change replaces threonine, which is neutral and polar, with alanine, which is neutral and non-polar, at codon 1580 of the HMCN1 protein (p.Thr1580Ala). This variant is present in population databases (rs764868698, gnomAD 0.01%). This variant has not been reported in the literature in individuals affected with HMCN1-related conditions. An algorithm developed to predict the effect of missense changes on protein structure and function (PolyPhen-2) suggests that this variant is likely to be tolerated. In summary, the available evidence is currently insufficient to determine the role of this variant in disease. Therefore, it has been classified as a Variant of Uncertain Significance.